The following is an entry in ClinVar:

ClinVar aggregate classification (germline): Likely benign (0 of 4 stars; one submission).

Conditions:
GNAS-related disorder. Identifiers: MedGen CN380105.

gnomAD v4.1: 3 of 639,382 alleles (0.00047%); highest among the groups gnomAD compares: East Asian, 0.0091%; no homozygotes.

Submission:

PreventionGenetics, part of Exact Sciences
Classification: Likely benign for GNAS-related condition. Last evaluated: 2024-01-03. Review status: no assertion criteria provided. Collection method: clinical testing. Allele origin: germline.
Comment: This variant is classified as likely benign based on ACMG/AMP sequence variant interpretation guidelines (Richards et al. 2015 PMID: 25741868, with internal and published modifications).

NM_000516.7(GNAS):c.*253T>C

Gene: GNAS (GNAS complex locus; plus strand). Cytogenetic location: 20q13.32.
Variant type: single nucleotide variant.
Coding change: c.*253T>C on transcript NM_000516.7 (MANE Select); 253 bases downstream of the stop codon, T replaced by C.
Molecular consequence: 3 prime UTR variant.
Genome position (GRCh38, 1-based): chr20:58,911,082, T>C. VCF-style: chr20-58911082-T-C. GRCh37 (hg19) VCF-style: chr20-57486137-T-C.
Other names: c.*253T>C (NM_001077488.5, NM_001077489.4, NM_001309840.2 and 5 more transcripts); c.*1299T>C (NM_001077490.3); c.*1344T>C (NM_016592.5).
Identifiers: ClinVar variation 3354326 (VCV003354326.1).